The following is an entry in ClinVar:

ClinVar aggregate classification (germline): Uncertain significance. Review status: criteria provided, single submitter (1 of 4 stars). 3 submissions from 3 submitters: Uncertain significance (1). 2 of the submissions do not count toward it. Last evaluated 2025-08-30.

Conditions:
Arrhythmogenic right ventricular dysplasia 13. Also called: Arrhythmogenic right ventricular dysplasia, familial, 13; ARRHYTHMOGENIC RIGHT VENTRICULAR CARDIOMYOPATHY 13. Identifiers: MedGen C3810138, MONDO:0000908, OMIM 615616.

Allele frequency attached by ClinVar (database versions not stated): gnomAD 0.00001.
gnomAD v4.1: 8 of 1,609,772 alleles (0.0005%); highest among the groups gnomAD compares: Non-Finnish European, 0.00068%; no homozygotes.

Submissions (3):

Labcorp Genetics (formerly Invitae), Labcorp
Classification: Uncertain significance for Arrhythmogenic right ventricular dysplasia 13. Last evaluated: 2025-08-30. Review status: criteria provided, single submitter. Criteria: Invitae Variant Classification Sherloc (09022015). Collection method: clinical testing. Allele origin: germline.
Comment: This sequence change replaces histidine, which is basic and polar, with tyrosine, which is neutral and polar, at codon 451 of the CTNNA3 protein (p.His451Tyr). This variant is not present in population databases (gnomAD no frequency). This missense change has been observed in individual(s) with CTNNA3-related conditions (PMID: 32880476). ClinVar contains an entry for this variant (Variation ID: 1284935). Invitae Evidence Modeling of protein sequence and biophysical properties (such as structural, functional, and spatial information, amino acid conservation, physicochemical variation, residue mobility, and thermodynamic stability) indicates that this missense variant is not expected to disrupt CTNNA3 protein function with a negative predictive value of 80%. In summary, the available evidence is currently insufficient to determine the role of this variant in disease. Therefore, it has been classified as a Variant of Uncertain Significance.

Genome Diagnostics Laboratory, University Medical Center Utrecht
Classification: Uncertain significance. Review status: no assertion criteria provided. Collection method: clinical testing. Allele origin: germline. Affected: yes. Study: VKGL Data-share Consensus. Not counted in ClinVar's aggregate classification.

Joint Genome Diagnostic Labs from Nijmegen and Maastricht, Radboudumc and MUMC+
Classification: Uncertain significance. Review status: no assertion criteria provided. Collection method: clinical testing. Allele origin: germline. Affected: yes. Study: VKGL Data-share Consensus. Not counted in ClinVar's aggregate classification.

Literature cited by the submitters: PubMed 32880476 (cited by Labcorp Genetics (formerly Invitae), Labcorp).

NM_013266.4(CTNNA3):c.1351C>T (p.His451Tyr)

Gene: CTNNA3 (catenin alpha 3; minus strand). Cytogenetic location: 10q21.3.
Variant type: single nucleotide variant.
Coding change: c.1351C>T on transcript NM_013266.4 (MANE Select); coding-DNA position 1351, C replaced by T.
Protein change: p.His451Tyr; replaces histidine 451 with tyrosine.
Molecular consequence: missense variant.
Genome position (GRCh38, 1-based): chr10:66,621,715, G>A on the plus strand (C>T on the coding strand, the complement: CTNNA3 is on the minus strand). VCF-style: chr10-66621715-G-A. GRCh37 (hg19) VCF-style: chr10-68381473-G-A.
Other names: c.1351C>T, p.His451Tyr (NM_001127384.3); short protein forms H451Y.
Identifiers: ClinVar variation 1284935 (VCV001284935.4), dbSNP rs1844757301, ClinGen allele CA377091601.